The following is an entry in ClinVar:

NM_000553.6(WRN):c.1465C>G (p.Pro489Ala)

Gene: WRN (WRN RecQ like helicase; plus strand). Cytogenetic location: 8p12.
Variant type: single nucleotide variant.
Coding change: c.1465C>G on transcript NM_000553.6 (MANE Select); coding-DNA position 1465, C replaced by G.
Protein change: p.Pro489Ala; replaces proline 489 with alanine.
Molecular consequence: missense variant.
Genome position (GRCh38, 1-based): chr8:31,087,809, C>G. VCF-style: chr8-31087809-C-G. GRCh37 (hg19) VCF-style: chr8-30945325-C-G.
Other names: short protein forms P489A.
Identifiers: ClinVar variation 1476366 (VCV001476366.6), dbSNP rs1813591344, ClinGen allele CA370924318.

ClinVar aggregate classification (germline): Uncertain significance (1 of 4 stars; one submission).

Conditions:
Werner syndrome (WRN). Identifiers: Orphanet 902, MedGen C0043119, MONDO:0010196, OMIM 277700.

Submission:

Labcorp Genetics (formerly Invitae), Labcorp
Classification: Uncertain significance for Werner syndrome. Last evaluated: 2021-01-31. Review status: criteria provided, single submitter. Criteria: Invitae Variant Classification Sherloc (09022015). Collection method: clinical testing. Allele origin: germline.
Comment: In summary, the available evidence is currently insufficient to determine the role of this variant in disease. Therefore, it has been classified as a Variant of Uncertain Significance. Algorithms developed to predict the effect of missense changes on protein structure and function are either unavailable or do not agree on the potential impact of this missense change (SIFT: "Not Available"; PolyPhen-2: "Benign"; Align-GVGD: "Not Available"). This variant has not been reported in the literature in individuals with WRN-related conditions. This variant is not present in population databases (ExAC no frequency). This sequence change replaces proline with alanine at codon 489 of the WRN protein (p.Pro489Ala). The proline residue is moderately conserved and there is a small physicochemical difference between proline and alanine.